The following is an entry in ClinVar:

NM_000059.4(BRCA2):c.9037A>C (p.Thr3013Pro)

Gene: BRCA2 (BRCA2 DNA repair associated; plus strand). Cytogenetic location: 13q13.1.
Variant type: single nucleotide variant.
Coding change: c.9037A>C on transcript NM_000059.4 (MANE Select); coding-DNA position 9037, A replaced by C.
Protein change: p.Thr3013Pro; replaces threonine 3013 with proline.
Molecular consequence: missense variant.
Genome position (GRCh38, 1-based): chr13:32,379,833, A>C. VCF-style: chr13-32379833-A-C. GRCh37 (hg19) VCF-style: chr13-32953970-A-C.
Other names: c.8941A>C, p.Thr2981Pro (NM_001406719.1); c.8986A>C, p.Thr2996Pro (NM_001406720.1); c.4105A>C, p.Thr1369Pro (NM_001406721.1); c.2620A>C, p.Thr874Pro (NM_001406722.1); short protein forms T1369P, T2981P, T2996P, T3013P, T874P.
Identifiers: ClinVar variation 1718417 (VCV001718417.6), dbSNP rs1555288470, ClinGen allele CA387757514.

ClinVar aggregate classification (germline): Uncertain significance (1 of 4 stars; one submission).

Conditions:
Hereditary breast ovarian cancer syndrome. Also called: BRCA1- and BRCA2-Associated Hereditary Breast and Ovarian Cancer; Hereditary breast and ovarian cancer syndrome (HBOC); Hereditary breast and/or ovarian cancer syndrome; Hereditary breast and ovarian cancer syndrome; Hereditary breast and ovarian cancer; Breast and ovarian cancer. Identifiers: Orphanet 145, MedGen C0677776, MeSH D061325, MONDO:0003582. Disease mechanism: loss of function.

Submission:

Labcorp Genetics (formerly Invitae), Labcorp
Classification: Uncertain significance for Hereditary breast ovarian cancer syndrome. Last evaluated: 2022-08-31. Review status: criteria provided, single submitter. Criteria: Invitae Variant Classification Sherloc (09022015). Collection method: clinical testing. Allele origin: germline.
Comment: This variant is not present in population databases (gnomAD no frequency). This sequence change replaces threonine, which is neutral and polar, with proline, which is neutral and non-polar, at codon 3013 of the BRCA2 protein (p.Thr3013Pro). This variant has not been reported in the literature in individuals affected with BRCA2-related conditions. Advanced modeling of protein sequence and biophysical properties (such as structural, functional, and spatial information, amino acid conservation, physicochemical variation, residue mobility, and thermodynamic stability) performed at Invitae indicates that this missense variant is not expected to disrupt BRCA2 protein function. In summary, the available evidence is currently insufficient to determine the role of this variant in disease. Therefore, it has been classified as a Variant of Uncertain Significance.